The following is an entry in ClinVar:

NM_001084.5(PLOD3):c.702T>A (p.Asp234Glu)

Gene: PLOD3 (procollagen-lysine,2-oxoglutarate 5-dioxygenase 3; minus strand). Cytogenetic location: 7q22.1.
Variant type: single nucleotide variant.
Coding change: c.702T>A on transcript NM_001084.5 (MANE Select); coding-DNA position 702, T replaced by A.
Protein change: p.Asp234Glu; replaces aspartic acid 234 with glutamic acid.
Molecular consequence: missense variant.
Genome position (GRCh38, 1-based): chr7:101,213,182, A>T on the plus strand (T>A on the coding strand, the complement: PLOD3 is on the minus strand). VCF-style: chr7-101213182-A-T. GRCh37 (hg19) VCF-style: chr7-100856463-A-T.
Other names: c.702T>A (NM_001084.4); short protein forms D234E.
Identifiers: ClinVar variation 2077256 (VCV002077256.3), dbSNP rs766314490, ClinGen allele CA4408063.
Genomic context (GRCh38, chr7:101,213,182, plus strand): 5'-TCCATGGACCACAATGGGGAGCGTGTCGTAGGCCACGTTCCGGATACGCACACGGTTCCG[A>T]TCAAACTTTAAAACCACTTCATCTGGGGAAGAAAAAGGCCAGGCTTCAGACCCCCTTTCT-3'
Protein context (NP_001075.1, residues 224-244): GALDEVVLKF[Asp234Glu]RNRVRIRNVA

ClinVar aggregate classification (germline): Uncertain significance. Review status: criteria provided, multiple submitters, no conflicts (2 of 4 stars). 2 submissions from 2 submitters: Uncertain significance (2). Last evaluated 2025-05-18.

Conditions:
Inborn genetic diseases. Identifiers: MedGen C0950123, MeSH D030342.

Allele frequency attached by ClinVar (database versions not stated): TOPMed 0.00002; gnomAD exomes 0.00002; ExAC 0.00004; gnomAD 0.00001.
gnomAD v4.1: 27 of 1,613,378 alleles (0.0017%); highest among the groups gnomAD compares: Non-Finnish European, 0.0023%; no homozygotes.

Submissions (2):

Ambry Genetics
Classification: Uncertain significance for Inborn genetic diseases. Last evaluated: 2025-05-18. Review status: criteria provided, single submitter. Criteria: Ambry Variant Classification Scheme 2023. Collection method: clinical testing. Allele origin: germline.

Labcorp Genetics (formerly Invitae), Labcorp
Classification: Uncertain significance. Last evaluated: 2022-04-15. Review status: criteria provided, single submitter. Criteria: Invitae Variant Classification Sherloc (09022015). Collection method: clinical testing. Allele origin: germline.
Comment: This sequence change replaces aspartic acid, which is acidic and polar, with glutamic acid, which is acidic and polar, at codon 234 of the PLOD3 protein (p.Asp234Glu). This variant is present in population databases (rs766314490, gnomAD 0.005%). This variant has not been reported in the literature in individuals affected with PLOD3-related conditions. Algorithms developed to predict the effect of missense changes on protein structure and function output the following: SIFT: "Tolerated"; PolyPhen-2: "Benign"; Align-GVGD: "Class C0". The glutamic acid amino acid residue is found in multiple mammalian species, which suggests that this missense change does not adversely affect protein function. In summary, the available evidence is currently insufficient to determine the role of this variant in disease. Therefore, it has been classified as a Variant of Uncertain Significance.